The following is an entry in ClinVar:

NM_001289808.2(CRYAB):c.145del (p.Leu49fs)

Gene: CRYAB (crystallin alpha B; minus strand). Cytogenetic location: 11q23.1.
Variant type: Deletion.
Coding change: c.145del on transcript NM_001289808.2 (MANE Select); coding-DNA position 145, one base deleted (C; older notation c.145delC).
Protein change: p.Leu49fs; shifts the reading frame from leucine 49.
Molecular consequence: frameshift variant.
Genome position (GRCh38, 1-based): chr11:111,911,580, G deleted on the plus strand (C on the coding strand, the reverse complement: CRYAB is on the minus strand); the first of 2 consecutive G bases (chr11:111,911,580-111,911,581); deleting either gives the same sequence. VCF-style (leftmost placement, unchanged base first): chr11-111911579-AG-A. GRCh37 (hg19) VCF-style: chr11-111782303-AG-A.
Other names: c.145del, p.Leu49fs (NM_001289807.1, NM_001368245.1, NM_001885.3); short protein forms L49fs.
Identifiers: ClinVar variation 1392460 (VCV001392460.6), dbSNP rs1965456387, ClinGen allele CA2000482182.

ClinVar aggregate classification (germline): Pathogenic (1 of 4 stars; one submission).

Conditions:
Dilated cardiomyopathy 1II (CMD1II). Identifiers: Orphanet 154, MedGen C3554649, MONDO:0014073, OMIM 615184.

Submission:

Labcorp Genetics (formerly Invitae), Labcorp
Classification: Pathogenic for Dilated cardiomyopathy 1II. Last evaluated: 2025-01-28. Review status: criteria provided, single submitter. Criteria: Invitae Variant Classification Sherloc (09022015). Collection method: clinical testing. Allele origin: germline.
Comment: This sequence change creates a premature translational stop signal (p.Leu49Phefs*33) in the CRYAB gene. It is expected to result in an absent or disrupted protein product. Loss-of-function variants in CRYAB are known to be pathogenic (PMID: 21337604). This variant is not present in population databases (gnomAD no frequency). This variant has not been reported in the literature in individuals affected with CRYAB-related conditions. ClinVar contains an entry for this variant (Variation ID: 1392460). For these reasons, this variant has been classified as Pathogenic.

Literature cited by the submitters: PubMed 21337604.